The following is an entry in ClinVar:

NM_000551.4(VHL):c.-4G>A

Gene: VHL (von Hippel-Lindau tumor suppressor; plus strand). Cytogenetic location: 3p25.3.
Variant type: single nucleotide variant.
Coding change: c.-4G>A on transcript NM_000551.4 (MANE Select); 4 bases upstream of the start codon, G replaced by A.
Molecular consequence: 5 prime UTR variant.
Genome position (GRCh38, 1-based): chr3:10,141,844, G>A. VCF-style: chr3-10141844-G-A. GRCh37 (hg19) VCF-style: chr3-10183528-G-A.
Other names: c.-4G>A (NM_001354723.2, NM_198156.3).
Identifiers: ClinVar variation 1744706 (VCV001744706.3), dbSNP rs1388409707, ClinGen allele CA896157839.

ClinVar aggregate classification (germline): Uncertain significance (1 of 4 stars; one submission).

Conditions:
Hereditary cancer-predisposing syndrome. Also called: Hereditary Cancer Syndrome; Neoplastic Syndromes, Hereditary; Tumor predisposition; Hereditary neoplastic syndrome. Identifiers: Orphanet 140162, MedGen C0027672, MeSH D009386, MONDO:0015356.

Allele frequency attached by ClinVar (database versions not stated): TOPMed 0.00001.

Submission:

Ambry Genetics
Classification: Uncertain significance for Hereditary cancer-predisposing syndrome. Last evaluated: 2024-10-07. Review status: criteria provided, single submitter. Criteria: Ambry Variant Classification Scheme 2023. Collection method: clinical testing. Allele origin: germline.
Comment: The c.-4G>A variant is located in the 5' untranslated region (5&rsquo; UTR) of the VHL gene. This variant results from a G to A substitution 4 bases upstream from the first translated codon. This nucleotide position is not well conserved in available vertebrate species. Based on the available evidence, the clinical significance of this variant remains unclear.